The following is an entry in ClinVar:

ClinVar aggregate classification (germline): Likely benign (1 of 4 stars; one submission).

Conditions:
CYP7B1-related disorder. Also called: CYP7B1-related condition.

Submission:

PreventionGenetics, part of Exact Sciences
Classification: Likely benign for CYP7B1-related condition. Last evaluated: 2025-04-11. Review status: criteria provided, single submitter. Criteria: ACMG Guidelines, 2015. Collection method: clinical testing. Allele origin: germline.
Comment: This variant is classified as likely benign based on ACMG/AMP sequence variant interpretation guidelines (Richards et al. 2015 PMID: 25741868, with internal and published modifications).

NM_004820.5(CYP7B1):c.45G>A (p.Glu15=)

Genes: CYP7B1 (cytochrome P450 family 7 subfamily B member 1; minus strand), LOC130000507 (ATAC-STARR-seq lymphoblastoid silent region 19243; plus strand). Cytogenetic location: 8q12.3.
Variant type: single nucleotide variant.
Coding change: c.45G>A on transcript NM_004820.5 (MANE Select); coding-DNA position 45, G replaced by A.
Protein change: p.Glu15=; no amino-acid change (glutamic acid 15 retained).
Molecular consequence: synonymous variant.
Genome position (GRCh38, 1-based): chr8:64,798,543, C>T on the plus strand (G>A on the coding strand, the complement: CYP7B1 is on the minus strand). VCF-style: chr8-64798543-C-T. GRCh37 (hg19) VCF-style: chr8-65711100-C-T.
Other names: c.45G>A, p.Glu15= (NM_001324112.2).
Identifiers: ClinVar variation 5002551 (VCV005002551.1).